The following is an entry in ClinVar:

ClinVar aggregate classification (germline): Conflicting classifications of pathogenicity. Review status: criteria provided, conflicting classifications (1 of 4 stars). 3 submissions from 3 submitters: Uncertain significance (1); Likely benign (2). Last evaluated 2026-09-01.

Conditions:
Methylmalonate semialdehyde dehydrogenase deficiency (MMSDHD). Also called: MMSDH DEFICIENCY. Identifiers: Orphanet 289307, MedGen C3279840, MONDO:0013579, OMIM 614105.

Allele frequency attached by ClinVar (database versions not stated): gnomAD exomes below 0.00001 and 0.00001; gnomAD 0.00001; TOPMed 0.00002.
gnomAD v4.1: 23 of 1,614,060 alleles (0.0014%); highest among the groups gnomAD compares: Admixed American, 0.0033%; no homozygotes.

Submissions (3):

CeGaT Center for Human Genetics Tuebingen
Classification: Likely benign. Last evaluated: 2026-09-01. Review status: criteria provided, single submitter. Criteria: CeGaT Center For Human Genetics Tuebingen Variant Classification Criteria Version 2. Collection method: clinical testing. Allele origin: germline. Affected: yes. Observed: 1 variant allele.
Comment: ALDH6A1: BP4, BP7

Labcorp Genetics (formerly Invitae), Labcorp
Classification: Likely benign. Last evaluated: 2022-09-29. Review status: criteria provided, single submitter. Criteria: Invitae Variant Classification Sherloc (09022015). Collection method: clinical testing. Allele origin: germline.

Illumina Laboratory Services, Illumina
Classification: Uncertain significance for Methylmalonate semialdehyde dehydrogenase deficiency. Last evaluated: 2018-01-13. Review status: criteria provided, single submitter. Criteria: ICSL Variant Classification Criteria 13 December 2019. Collection method: clinical testing. Allele origin: germline.

NM_005589.4(ALDH6A1):c.921G>A (p.Gly307=)

Genes: ALDH6A1 (aldehyde dehydrogenase 6 family member A1; minus strand), BBOF1 (basal body orientation factor 1; plus strand). Cytogenetic location: 14q24.3.
Variant type: single nucleotide variant.
Coding change: c.921G>A on transcript NM_005589.4 (MANE Select); coding-DNA position 921, G replaced by A.
Protein change: p.Gly307=; no amino-acid change (glycine 307 retained).
Molecular consequence: synonymous variant.
Genome position (GRCh38, 1-based): chr14:74,067,501, C>T on the plus strand (G>A on the coding strand, the complement: ALDH6A1 is on the minus strand). VCF-style: chr14-74067501-C-T. GRCh37 (hg19) VCF-style: chr14-74534204-C-T.
Other names: c.882G>A, p.Gly294= (NM_001278593.2); c.459G>A, p.Gly153= (NM_001278594.2).
Identifiers: ClinVar variation 888129 (VCV000888129.9), dbSNP rs1402487087, ClinGen allele CA487149892.